The following is an entry in ClinVar:

NM_004036.5(ADCY3):c.2350G>A (p.Ala784Thr)

Gene: ADCY3 (adenylate cyclase 3; minus strand). Cytogenetic location: 2p23.3.
Variant type: single nucleotide variant.
Coding change: c.2350G>A on transcript NM_004036.5 (MANE Select); coding-DNA position 2350, G replaced by A.
Protein change: p.Ala784Thr; replaces alanine 784 with threonine.
Molecular consequence: missense variant. On other transcripts: intron variant (1).
Genome position (GRCh38, 1-based): chr2:24,827,984, C>T on the plus strand (G>A on the coding strand, the complement: ADCY3 is on the minus strand). VCF-style: chr2-24827984-C-T. GRCh37 (hg19) VCF-style: chr2-25050853-C-T.
Other names: c.2350G>A, p.Ala784Thr (NM_001320613.2, NM_001377132.1); c.2416G>A, p.Ala806Thr (NM_001377128.1); c.2212G>A, p.Ala738Thr (NM_001377129.1); c.1627G>A, p.Ala543Thr (NM_001377131.1); c.2172+2725G>A (NM_001377130.1); c.2350G>A (NM_001320613.1); short protein forms A806T, A543T, A738T, A784T.
Identifiers: ClinVar variation 3269356 (VCV003269356.2).

ClinVar aggregate classification (germline): Likely benign. Review status: criteria provided, single submitter (1 of 4 stars). 2 submissions from 2 submitters: Likely benign (1). 1 of the submissions does not count toward it. Last evaluated 2024-05-06.

Conditions:
Inborn genetic diseases. Identifiers: MedGen C0950123, MeSH D030342.
ADCY3-related disorder. Also called: ADCY3-related condition.

Submissions (2):

Ambry Genetics
Classification: Likely benign for Inborn genetic diseases. Last evaluated: 2024-05-06. Review status: criteria provided, single submitter. Criteria: Ambry Variant Classification Scheme 2023. Collection method: clinical testing. Allele origin: germline.

PreventionGenetics, part of Exact Sciences
Classification: Uncertain significance for ADCY3-related condition. Last evaluated: 2024-06-20. Review status: no assertion criteria provided. Collection method: clinical testing. Allele origin: germline. Not counted in ClinVar's aggregate classification.
Comment: The ADCY3 c.2350G>A variant is predicted to result in the amino acid substitution p.Ala784Thr. To our knowledge, this variant has not been reported in the literature. This variant is reported in 0.095% of alleles in individuals of East Asian descent in gnomAD. Although we suspect that this variant may be benign, at this time, the clinical significance of this variant is uncertain due to the absence of conclusive functional and genetic evidence.